The following is an entry in ClinVar:

ClinVar aggregate classification (germline): Uncertain significance (1 of 4 stars; one submission).

Submission:

Labcorp Genetics (formerly Invitae), Labcorp
Classification: Uncertain significance. Last evaluated: 2022-02-05. Review status: criteria provided, single submitter. Criteria: Invitae Variant Classification Sherloc (09022015). Collection method: clinical testing. Allele origin: germline.
Comment: In summary, the available evidence is currently insufficient to determine the role of this variant in disease. Therefore, it has been classified as a Variant of Uncertain Significance. Algorithms developed to predict the effect of missense changes on protein structure and function output the following: SIFT: "Tolerated"; PolyPhen-2: "Benign"; Align-GVGD: "Class C0". The proline amino acid residue is found in multiple mammalian species, which suggests that this missense change does not adversely affect protein function. This variant has not been reported in the literature in individuals affected with WHRN-related conditions. This variant is not present in population databases (gnomAD no frequency). This sequence change replaces serine, which is neutral and polar, with proline, which is neutral and non-polar, at codon 647 of the WHRN protein (p.Ser647Pro).

NM_015404.4(WHRN):c.1939T>C (p.Ser647Pro)

Gene: WHRN (whirlin; minus strand). Cytogenetic location: 9q32.
Variant type: single nucleotide variant.
Coding change: c.1939T>C on transcript NM_015404.4 (MANE Select); coding-DNA position 1939, T replaced by C.
Protein change: p.Ser647Pro; replaces serine 647 with proline.
Molecular consequence: missense variant.
Genome position (GRCh38, 1-based): chr9:114,406,652, A>G on the plus strand (T>C on the coding strand, the complement: WHRN is on the minus strand). VCF-style: chr9-114406652-A-G. GRCh37 (hg19) VCF-style: chr9-117168932-A-G.
Other names: c.790T>C, p.Ser264Pro (NM_001083885.3); c.1939T>C, p.Ser647Pro (NM_001173425.2); c.886T>C, p.Ser296Pro (NM_001346890.1); short protein forms S264P, S296P, S647P.
Identifiers: ClinVar variation 1500623 (VCV001500623.8), dbSNP rs2132211748, ClinGen allele CA374620617.
Genomic context (GRCh38, chr9:114,406,652, plus strand): 5'-CGTCCAGCGGCCTCTTGGAGCTGGGGTTGGCAGGGGAGACGGAGGCATAGATGGGGGAAG[A>G]GGGCAAGTCCTGTGCAGAGGAGGTCCCTGGGGTGGGTGCGGTGCCCGCTGGCGGGCTGCG-3'
Protein context (NP_056219.3, residues 637-657): PGTSSAQDLP[Ser647Pro]SPIYASVSPA